The following is an entry in ClinVar:

ClinVar aggregate classification (germline): Uncertain significance (1 of 4 stars; one submission).

gnomAD v4.1: 1 of 1,609,954 alleles (0.000062%); highest among the groups gnomAD compares: Non-Finnish European, 0.000085%; no homozygotes.

Submission:

GeneDx
Classification: Uncertain significance. Last evaluated: 2022-02-21. Review status: criteria provided, single submitter. Criteria: GeneDx Variant Classification Process June 2021. Collection method: clinical testing. Allele origin: germline. Affected: yes.
Comment: Not observed at significant frequency in large population cohorts (gnomAD); In silico analysis supports that this missense variant does not alter protein structure/function; Has not been previously published as pathogenic or benign to our knowledge

NM_020719.3(PRR12):c.3286G>A (p.Ala1096Thr)

Gene: PRR12 (proline rich 12; plus strand). Cytogenetic location: 19q13.33.
Variant type: single nucleotide variant.
Coding change: c.3286G>A on transcript NM_020719.3 (MANE Select); coding-DNA position 3286, G replaced by A.
Protein change: p.Ala1096Thr; replaces alanine 1096 with threonine.
Molecular consequence: missense variant.
Genome position (GRCh38, 1-based): chr19:49,597,621, G>A. VCF-style: chr19-49597621-G-A. GRCh37 (hg19) VCF-style: chr19-50100878-G-A.
Other names: short protein forms A1096T.
Identifiers: ClinVar variation 1702635 (VCV001702635.2), dbSNP rs2122302516, ClinGen allele CA406879569.
Genomic context (GRCh38, chr19:49,597,621, plus strand): 5'-TCCTCCTTCCACCTGCTGCGGCGCCGCGACCCACCCTTCCAGACCCCCAAGAAGCTGTAC[G>A]CCCAGGAGTACGAGTTCGAGGCGGACGAGGACAAGGCCGATGTTCCCGCCGACATCCGCC-3'
Protein context (NP_065770.1, residues 1086-1106): PPFQTPKKLY[Ala1096Thr]QEYEFEADED